The following is an entry in ClinVar:

NM_013372.7(GREM1):c.184C>A (p.Gln62Lys)

Gene: GREM1 (gremlin 1, DAN family BMP antagonist; plus strand). Cytogenetic location: 15q13.3.
Variant type: single nucleotide variant.
Coding change: c.184C>A on transcript NM_013372.7 (MANE Select); coding-DNA position 184, C replaced by A.
Protein change: p.Gln62Lys; replaces glutamine 62 with lysine.
Molecular consequence: missense variant. On other transcripts: intron variant (2).
Genome position (GRCh38, 1-based): chr15:32,730,874, C>A. VCF-style: chr15-32730874-C-A. GRCh37 (hg19) VCF-style: chr15-33023075-C-A.
Other names: c.184C>A, p.Gln62Lys (NM_001368719.1); c.115-54C>A (NM_001191323.2); c.28-54C>A (NM_001191322.2); short protein forms Q62K.
Identifiers: ClinVar variation 3226253 (VCV003226253.1), dbSNP rs2548707584, ClinGen allele CA391557361.

ClinVar aggregate classification (germline): Uncertain significance (1 of 4 stars; one submission).

Conditions:
Hereditary cancer-predisposing syndrome. Also called: Neoplastic Syndromes, Hereditary; Tumor predisposition; Hereditary neoplastic syndrome; Hereditary Cancer Syndrome. Identifiers: Orphanet 140162, MedGen C0027672, MeSH D009386, MONDO:0015356.

Submission:

Ambry Genetics
Classification: Uncertain significance for Hereditary cancer-predisposing syndrome. Last evaluated: 2023-12-23. Review status: criteria provided, single submitter. Criteria: Ambry Variant Classification Scheme 2023. Collection method: clinical testing. Allele origin: germline.
Comment: The p.Q62K variant (also known as c.184C>A), located in coding exon 1 of the GREM1 gene, results from a C to A substitution at nucleotide position 184. The glutamine at codon 62 is replaced by lysine, an amino acid with similar properties. This amino acid position is conserved. In addition, this alteration is predicted to be tolerated by in silico analysis. Since supporting evidence is limited at this time, the clinical significance of this alteration remains unclear.